The following is an entry in ClinVar:

NM_000443.4(ABCB4):c.2051A>T (p.Glu684Val)

Gene: ABCB4 (ATP binding cassette subfamily B member 4; minus strand). Cytogenetic location: 7q21.12.
Variant type: single nucleotide variant.
Coding change: c.2051A>T on transcript NM_000443.4 (MANE Select); coding-DNA position 2051, A replaced by T.
Protein change: p.Glu684Val; replaces glutamic acid 684 with valine.
Molecular consequence: missense variant.
Genome position (GRCh38, 1-based): chr7:87,426,763, T>A on the plus strand (A>T on the coding strand, the complement: ABCB4 is on the minus strand). VCF-style: chr7-87426763-T-A. GRCh37 (hg19) VCF-style: chr7-87056079-T-A.
Other names: c.2051A>T, p.Glu684Val (NM_018849.3, NM_018850.3); short protein forms E684V.
Identifiers: ClinVar variation 4846437 (VCV004846437.1).
Genomic context (GRCh38, chr7:87,426,763, plus strand): 5'-GCAAAACTACAAAGTAAAAGACTTAATTTAAGTGAAAAACAACTTACAAGTCCATCGGTT[T>A]CCACATCAAGGCTCTTCTGACACATTTGTGAATTTTTAAGGTTTTTCTGAGTAGAATGCC-3'
Protein context (NP_000434.1, residues 674-694): SQMCQKSLDV[Glu684Val]TDGLEANVPP

ClinVar aggregate classification (germline): Uncertain significance (1 of 4 stars; one submission).

Conditions:
Familial intrahepatic cholestasis. Identifiers: Orphanet 284385, MedGen CN296401, MONDO:0017290.
Low phospholipid associated cholelithiasis (GBD1). Also called: Gallbladder disease 1; Gallstone cholecystitis. Identifiers: Orphanet 69663, MedGen C2609268, MONDO:0010939, OMIM 600803.

Submission:

Genomenon, Inc
Classification: Uncertain significance for Familial intrahepatic cholestasis; Low phospholipid associated cholelithiasis. Last evaluated: 2026-04-14. Review status: criteria provided, single submitter. Criteria: Genomenon Sequence Variant Interpretation Standards - Updated. Collection method: curation. Allele origin: germline. Affected: no.
Comment: ABCB4 p.Glu684Val (c.2051A>T) is a missense variant that changes the amino acid at residue 684 from Glutamic acid to Valine. This variant has been reported in the published literature (PMID:37208429). It is absent or not present at a significant frequency in gnomAD. In silico models predict that this variant is not damaging. In conclusion, we classify ABCB4 p.Glu684Val (c.2051A>T) as a variant of uncertain significance.

Literature cited by the submitters: PubMed 37208429.